The following is an entry in ClinVar:

NM_005751.5(AKAP9):c.992T>C (p.Ile331Thr)

Gene: AKAP9 (A-kinase anchoring protein 9; plus strand). Cytogenetic location: 7q21.2.
Variant type: single nucleotide variant.
Coding change: c.992T>C on transcript NM_005751.5 (MANE Select); coding-DNA position 992, T replaced by C.
Protein change: p.Ile331Thr; replaces isoleucine 331 with threonine.
Molecular consequence: missense variant.
Genome position (GRCh38, 1-based): chr7:92,000,909, T>C. VCF-style: chr7-92000909-T-C. GRCh37 (hg19) VCF-style: chr7-91630223-T-C.
Other names: c.992T>C, p.Ile331Thr (NM_147185.3); short protein forms I331T.
Identifiers: ClinVar variation 1768644 (VCV001768644.6), dbSNP rs904851489, ClinGen allele CA161906612.

ClinVar aggregate classification (germline): Uncertain significance. Review status: criteria provided, multiple submitters, no conflicts (2 of 4 stars). 2 submissions from 2 submitters: Uncertain significance (2). Last evaluated 2025-01-19.

Conditions:
Long QT syndrome (LQTS). Identifiers: MedGen C0023976, MeSH D008133, MONDO:0002442. Disease mechanism: loss of function. Inheritance: Various modes of inheritance.
Cardiovascular phenotype. Identifiers: MedGen CN230736.

Allele frequency attached by ClinVar (database versions not stated): gnomAD exomes 0.00002; TOPMed 0.00002; gnomAD 0.00003.
gnomAD v4.1: 29 of 1,450,158 alleles (0.002%); highest among the groups gnomAD compares: African/African-American, 0.0058%; no homozygotes.

Submissions (2):

Ambry Genetics
Classification: Uncertain significance for Cardiovascular phenotype. Last evaluated: 2025-01-19. Review status: criteria provided, single submitter. Criteria: Ambry Variant Classification Scheme 2023. Collection method: clinical testing. Allele origin: germline.
Comment: The p.I331T variant (also known as c.992T>C), located in coding exon 8 of the AKAP9 gene, results from a T to C substitution at nucleotide position 992. The isoleucine at codon 331 is replaced by threonine, an amino acid with similar properties. This amino acid position is well conserved in available vertebrate species. In addition, this alteration is predicted to be tolerated by in silico analysis. Since supporting evidence is limited at this time, the clinical significance of this alteration remains unclear.

Labcorp Genetics (formerly Invitae), Labcorp
Classification: Uncertain significance for Long QT syndrome. Last evaluated: 2023-10-04. Review status: criteria provided, single submitter. Criteria: Invitae Variant Classification Sherloc (09022015). Collection method: clinical testing. Allele origin: germline.
Comment: This sequence change replaces isoleucine, which is neutral and non-polar, with threonine, which is neutral and polar, at codon 331 of the AKAP9 protein (p.Ile331Thr). The frequency data for this variant in the population databases is considered unreliable, as metrics indicate poor data quality at this position in the gnomAD database. This variant has not been reported in the literature in individuals affected with AKAP9-related conditions. ClinVar contains an entry for this variant (Variation ID: 1768644). An algorithm developed to predict the effect of missense changes on protein structure and function (PolyPhen-2) suggests that this variant is likely to be disruptive. In summary, the available evidence is currently insufficient to determine the role of this variant in disease. Therefore, it has been classified as a Variant of Uncertain Significance.